The following is an entry in ClinVar:

NM_003283.6(TNNT1):c.611G>T (p.Arg204Leu)

Gene: TNNT1 (troponin T1, slow skeletal type; minus strand). Cytogenetic location: 19q13.42.
Variant type: single nucleotide variant.
Coding change: c.611G>T on transcript NM_003283.6 (MANE Select); coding-DNA position 611, G replaced by T.
Protein change: p.Arg204Leu; replaces arginine 204 with leucine.
Molecular consequence: missense variant.
Genome position (GRCh38, 1-based): chr19:55,137,103, C>A on the plus strand (G>T on the coding strand, the complement: TNNT1 is on the minus strand). VCF-style: chr19-55137103-C-A. GRCh37 (hg19) VCF-style: chr19-55648471-C-A.
Other names: c.611G>T, p.Arg204Leu (NM_001126132.3); c.578G>T, p.Arg193Leu (NM_001126133.3, NM_001291774.2); short protein forms R193L, R204L.
Identifiers: ClinVar variation 3236215 (VCV003236215.1), dbSNP rs765133367, ClinGen allele CA407432557.

ClinVar aggregate classification (germline): Uncertain significance (1 of 4 stars; one submission).

Conditions:
Nemaline myopathy 5 (NEM5A). Also called: Nemaline myopathy 5, Amish type; NEMALINE MYOPATHY 5A, AUTOSOMAL RECESSIVE, SEVERE INFANTILE; NEMALINE MYOPATHY, AMISH TYPE. Identifiers: Orphanet 98902, MedGen C1854380, MONDO:0011539, OMIM 605355.

Submission:

MVZ Medizinische Genetik Mainz
Classification: Uncertain significance for Nemaline myopathy 5. Last evaluated: 2022-10-26. Review status: criteria provided, single submitter. Criteria: UK Practice Guidelines For Variant Classification V4 01 2020. Collection method: clinical testing. Allele origin: germline. Inheritance: Autosomal recessive inheritance. Affected: yes. Observed: 1 variant allele.
Comment: ACMG Criteria: PM2_SUP, PM3_SUP, PP3 (ACMG Version 4)